The following is an entry in ClinVar:

ClinVar aggregate classification (germline): Uncertain significance (1 of 4 stars; one submission).

Conditions:
Long QT syndrome (LQTS). Identifiers: MedGen C0023976, MeSH D008133, MONDO:0002442. Disease mechanism: loss of function. Inheritance: Various modes of inheritance.

Allele frequency attached by ClinVar (database versions not stated): gnomAD exomes below 0.00001 and 0.00001; ExAC 0.00001.
gnomAD v4.1: 4 of 1,613,908 alleles (0.00025%); highest among the groups gnomAD compares: Non-Finnish European, 0.00025%; no homozygotes.

Submission:

Labcorp Genetics (formerly Invitae), Labcorp
Classification: Uncertain significance for Long QT syndrome. Last evaluated: 2024-02-29. Review status: criteria provided, single submitter. Criteria: Invitae Variant Classification Sherloc (09022015). Collection method: clinical testing. Allele origin: germline.
Comment: This sequence change replaces proline, which is neutral and non-polar, with threonine, which is neutral and polar, at codon 1683 of the ANK2 protein (p.Pro1683Thr). This variant is present in population databases (rs756720499, gnomAD 0.0009%). This variant has not been reported in the literature in individuals affected with ANK2-related conditions. ClinVar contains an entry for this variant (Variation ID: 837560). An algorithm developed to predict the effect of missense changes on protein structure and function (PolyPhen-2) suggests that this variant is likely to be tolerated. In summary, the available evidence is currently insufficient to determine the role of this variant in disease. Therefore, it has been classified as a Variant of Uncertain Significance.

NM_001148.6(ANK2):c.5047C>A (p.Pro1683Thr)

Gene: ANK2 (ankyrin 2; plus strand). Cytogenetic location: 4q26.
Variant type: single nucleotide variant.
Coding change: c.5047C>A on transcript NM_001148.6 (MANE Select); coding-DNA position 5047, C replaced by A.
Protein change: p.Pro1683Thr; replaces proline 1683 with threonine.
Molecular consequence: missense variant. On other transcripts: intron variant (68).
Genome position (GRCh38, 1-based): chr4:113,353,665, C>A. VCF-style: chr4-113353665-C-A. GRCh37 (hg19) VCF-style: chr4-114274821-C-A.
Other names: c.4813C>A, p.Pro1605Thr (NM_001386142.1); c.1447C>A, p.Pro483Thr (NM_001386166.1); c.5188C>A, p.Pro1730Thr (NM_001386174.1); c.5164C>A, p.Pro1722Thr (NM_001386175.1); c.4411+3416C>A (NM_001386186.2, NM_001386148.2); c.4213+3416C>A (NM_001354269.3); c.4291+3416C>A (NM_001386187.2); c.4252+3416C>A (NM_001386147.1); and 35 more; short protein forms P1683T, P1605T, P1722T, P1730T, P483T.
Identifiers: ClinVar variation 837560 (VCV000837560.6), dbSNP rs756720499, ClinGen allele CA3051171.